The following is an entry in ClinVar:

ClinVar aggregate classification (germline): other (0 of 4 stars; one submission).

Conditions:
Familial colorectal cancer. Identifiers: MedGen CN280943, MONDO:0023113. Disease mechanism: loss of function.

Allele frequency attached by ClinVar (database versions not stated): TOPMed 0.02633; 1000 Genomes Project 30x 0.04778; 1000 Genomes Project 0.05072; gnomAD 0.02181 and 0.02283.
gnomAD v4.1: 3,466 of 152,290 alleles (2.3%); highest among the groups gnomAD compares: East Asian, 13%; 113 homozygotes.

Submission:

Systems Biology Platform Zhejiang California International NanoSystems Institute
Classification: other for Familial colorectal cancer. Review status: no assertion criteria provided. Collection method: not provided. Allele origin: unknown.
ClinVar note: Converted during submission from cancer to other.

NM_000038.6(APC):c.136-350A>G

Gene: APC (APC regulator of WNT signaling pathway; plus strand). Cytogenetic location: 5q22.2.
Variant type: single nucleotide variant.
Coding change: c.136-350A>G on transcript NM_000038.6 (MANE Select); 350 bases into the intron before coding-DNA position 136, A replaced by G.
Molecular consequence: intron variant.
Genome position (GRCh38, 1-based): chr5:112,765,976, A>G. VCF-style: chr5-112765976-A-G. GRCh37 (hg19) VCF-style: chr5-112101673-A-G.
Other names: c.136-350A>G (NM_001354895.2, NM_001127510.3, NM_001354896.2 and 2 more transcripts); c.166-350A>G (NM_001354897.2, NM_001354902.2, NM_001127511.3); c.61-350A>G (NM_001354898.2, NM_001354904.2); c.-900-350A>G (NM_001354906.2); c.-42-350A>G (NM_001354900.2, NM_001354901.2, NM_001354905.2).
Identifiers: ClinVar variation 82870 (VCV000082870.2), dbSNP rs78418904, ClinGen allele CA004732.
Genomic context (GRCh38, chr5:112,765,976, plus strand): 5'-TAATTTGGTGTTTTTTATGGTCATGTTGGTGCACGCTTAAGAGACATGGATTCTAAACAC[A>G]TAAGTAGCTTTTGTAACTTGAGCAAGTCTCTGGGTCTCACTTGTTTTATCTGAAAAATGA-3'